The following is an entry in ClinVar:

NM_001304548.2(CFAP47):c.5127+7T>C

Gene: CFAP47 (cilia and flagella associated protein 47; plus strand). Cytogenetic location: Xp21.1.
Variant type: single nucleotide variant.
Coding change: c.5127+7T>C on transcript NM_001304548.2 (MANE Select); 7 bases into the intron after coding-DNA position 5127, T replaced by C.
Molecular consequence: intron variant.
Genome position (GRCh38, 1-based): chrX:36,099,886, T>C. VCF-style: chrX-36099886-T-C. GRCh37 (hg19) VCF-style: chrX-36118003-T-C.
Identifiers: ClinVar variation 2660266 (VCV002660266.24), dbSNP rs375490296, ClinGen allele CA10382139.

ClinVar aggregate classification (germline): Likely benign (1 of 4 stars; one submission).

Allele frequency attached by ClinVar (database versions not stated): TOPMed 0.00015; gnomAD 0.00021; gnomAD exomes 0.00028; ExAC 0.00033; ESP Exome Variant Server 0.00038.
gnomAD v4.1: 249 of 919,172 alleles (0.027%); highest among the groups gnomAD compares: Middle Eastern, 0.055%; no homozygotes.

Submission:

CeGaT Center for Human Genetics Tuebingen
Classification: Likely benign. Last evaluated: 2022-11-01. Review status: criteria provided, single submitter. Criteria: CeGaT Center For Human Genetics Tuebingen Variant Classification Criteria Version 2. Collection method: clinical testing. Allele origin: germline. Affected: yes. Observed: 1 variant allele.
Comment: CFAP47: BP4, BS2